The following is an entry in ClinVar:

NM_000124.4(ERCC6):c.733A>T (p.Met245Leu)

Gene: ERCC6 (ERCC excision repair 6, chromatin remodeling factor; minus strand). Cytogenetic location: 10q11.23.
Variant type: single nucleotide variant.
Coding change: c.733A>T on transcript NM_000124.4 (MANE Select); coding-DNA position 733, A replaced by T.
Protein change: p.Met245Leu; replaces methionine 245 with leucine.
Molecular consequence: missense variant.
Genome position (GRCh38, 1-based): chr10:49,524,697, T>A on the plus strand (A>T on the coding strand, the complement: ERCC6 is on the minus strand). VCF-style: chr10-49524697-T-A. GRCh37 (hg19) VCF-style: chr10-50732743-T-A.
Other names: c.733A>T, p.Met245Leu (NM_001277058.2, NM_001277059.2, NM_001346440.2); short protein forms M245L.
Identifiers: ClinVar variation 2149147 (VCV002149147.1), dbSNP rs748181487, ClinGen allele CA376755204.

ClinVar aggregate classification (germline): Uncertain significance (1 of 4 stars; one submission).

gnomAD v4.1: 6 of 1,611,586 alleles (0.00037%); highest among the groups gnomAD compares: Non-Finnish European, 0.00042%; no homozygotes.

Submission:

Labcorp Genetics (formerly Invitae), Labcorp
Classification: Uncertain significance. Last evaluated: 2022-03-06. Review status: criteria provided, single submitter. Criteria: Invitae Variant Classification Sherloc (09022015). Collection method: clinical testing. Allele origin: germline.
Comment: This sequence change replaces methionine, which is neutral and non-polar, with leucine, which is neutral and non-polar, at codon 245 of the ERCC6 protein (p.Met245Leu). This variant is present in population databases (no rsID available, gnomAD 0.0009%). This variant has not been reported in the literature in individuals affected with ERCC6-related conditions. Algorithms developed to predict the effect of missense changes on protein structure and function are either unavailable or do not agree on the potential impact of this missense change (SIFT: "Deleterious"; PolyPhen-2: "Probably Damaging"; Align-GVGD: "Class C0"). In summary, the available evidence is currently insufficient to determine the role of this variant in disease. Therefore, it has been classified as a Variant of Uncertain Significance.